The following is an entry in ClinVar:

ClinVar aggregate classification (germline): Uncertain significance (1 of 4 stars; one submission).

Conditions:
Premature ovarian failure 8 (POF8). Identifiers: MedGen C3810367, MONDO:0014321, OMIM 615723.
Spermatogenic failure 61 (SPGF61). Identifiers: MedGen C5562048, MONDO:0030507, OMIM 619672.

gnomAD v4.1: 6 of 1,613,974 alleles (0.00037%); highest among the groups gnomAD compares: East Asian, 0.011%; no homozygotes.

Submission:

Juno Genomics, Hangzhou Juno Genomics, Inc
Classification: Uncertain significance for Spermatogenic failure 61; Premature ovarian failure 8. Review status: criteria provided, single submitter. Criteria: ACMG Guidelines, 2015. Collection method: clinical testing. Allele origin: germline.
Comment: Absent from controls (or at extremely low frequency if recessive) in Genome Aggregation Database.;Missense variant in a gene that has a low rate of benign missense variation.;Multiple lines of computational evidence support a deleterious effect on the gene or gene product.

NM_001282717.2(STAG3):c.3043T>C (p.Phe1015Leu)

Gene: STAG3 (STAG3 cohesin complex component; plus strand). Cytogenetic location: 7q22.1.
Variant type: single nucleotide variant.
Coding change: c.3043T>C on transcript NM_001282717.2 (MANE Select); coding-DNA position 3043, T replaced by C.
Protein change: p.Phe1015Leu; replaces phenylalanine 1015 with leucine.
Molecular consequence: missense variant.
Genome position (GRCh38, 1-based): chr7:100,205,096, T>C. VCF-style: chr7-100205096-T-C. GRCh37 (hg19) VCF-style: chr7-99802719-T-C.
Other names: c.3043T>C, p.Phe1015Leu (NM_001282716.1, NM_001375438.1, NM_012447.4); c.2869T>C, p.Phe957Leu (NM_001282718.2); short protein forms F1015L, F957L.
Identifiers: ClinVar variation 5018717 (VCV005018717.2).